The following is an entry in ClinVar:

ClinVar aggregate classification (germline): Uncertain significance (1 of 4 stars; one submission).

Conditions:
Aicardi-Goutieres syndrome 7 (AGS7). Identifiers: Orphanet 51, MedGen C3888244, MONDO:0014367, OMIM 615846.
Singleton-Merten syndrome 1 (SGMRT1). Also called: Widened medullary cavities of bone, aortic calcification, abnormal dentition, and muscular weakness; Syndrome of widened medullary cavities of the metacarpals and phalanges, aortic calcification and abnormal dentition. Identifiers: Orphanet 85191, MedGen C4225427, MONDO:0024535, OMIM 182250.

Submission:

Labcorp Genetics (formerly Invitae), Labcorp
Classification: Uncertain significance for Aicardi-Goutieres syndrome 7; Singleton-Merten syndrome 1. Last evaluated: 2023-12-06. Review status: criteria provided, single submitter. Criteria: Invitae Variant Classification Sherloc (09022015). Collection method: clinical testing. Allele origin: unknown.
Comment: This variant is a gross deletion of the genomic region encompassing exon(s) 6-8 of the IFIH1 gene. This variant would be expected to be in-frame, preserving the integrity of the reading frame. This variant has not been reported in the literature in individuals affected with IFIH1-related conditions. Experimental studies and prediction algorithms are not available or were not evaluated, and the functional significance of this variant is currently unknown. In summary, the available evidence is currently insufficient to determine the role of this variant in disease. Therefore, it has been classified as a Variant of Uncertain Significance.

NC_000002.11:g.(?_163136486)_(163139106_?)del

Gene: IFIH1 (interferon induced with helicase C domain 1; minus strand). Cytogenetic location: 2q24.2.
Variant type: Deletion.
Identifiers: ClinVar variation 3247404 (VCV003247404.1).